The following is an entry in ClinVar:

NM_001012759.3(CTU2):c.1411_1413del (p.Lys471del)

Gene: CTU2 (cytosolic thiouridylase subunit 2; plus strand). Cytogenetic location: 16q24.3.
Variant type: Deletion.
Coding change: c.1411_1413del on transcript NM_001012759.3 (MANE Select); coding-DNA positions 1411 to 1413, 3 bases deleted (AAG; older notation c.1411_1413delAAG).
Protein change: p.Lys471del; deletes lysine 471.
Molecular consequence: inframe deletion.
Genome position (GRCh38, 1-based): chr16:88,714,918-88,714,920, AAG deleted; deleting any 3 consecutive bases within chr16:88,714,917-88,714,920 gives the same sequence; the c. name uses the placement nearest the transcript's 3' end. VCF-style (leftmost placement, unchanged base first): chr16-88714916-TGAA-T. GRCh37 (hg19) VCF-style: chr16-88781324-TGAA-T.
Other names: c.1411_1413del, p.Lys471del (NM_001012762.3); c.1624_1626del, p.Lys542del (NM_001318507.2); c.1150_1152del, p.Lys384del (NM_001318513.2); short protein forms K471del, K542del, K384del.
Identifiers: ClinVar variation 1376525 (VCV001376525.6), dbSNP rs1911802429, ClinGen allele CA2241245418.
Genomic context (GRCh38, chr16:88,714,916, plus strand): 5'-GCAGGGAGGACCCCCAAGCCTGCATTGAGGAGCAGCTGTGCTACAGCTGCCGCGTGAACA[TGAA>T]GGACTTGGTGAGTACGTGCCCACCTGTCCTGGGCCGGGCTTGGGGACGCGGGAAGGCCGT-3'

ClinVar aggregate classification (germline): Uncertain significance (1 of 4 stars; one submission).

Submission:

Labcorp Genetics (formerly Invitae), Labcorp
Classification: Uncertain significance. Last evaluated: 2024-11-11. Review status: criteria provided, single submitter. Criteria: Invitae Variant Classification Sherloc (09022015). Collection method: clinical testing. Allele origin: germline.
Comment: This variant, c.1411_1413del, results in the deletion of 1 amino acid(s) of the CTU2 protein (p.Lys471del), but otherwise preserves the integrity of the reading frame. This variant is not present in population databases (gnomAD no frequency). This variant has not been reported in the literature in individuals affected with CTU2-related conditions. ClinVar contains an entry for this variant (Variation ID: 1376525). Experimental studies and prediction algorithms are not available or were not evaluated, and the functional significance of this variant is currently unknown. In summary, the available evidence is currently insufficient to determine the role of this variant in disease. Therefore, it has been classified as a Variant of Uncertain Significance.